The following is an entry in ClinVar:

NM_170784.3(MKKS):c.1085A>G (p.His362Arg)

Gene: MKKS (MKKS centrosomal shuttling protein; minus strand). Cytogenetic location: 20p12.2.
Variant type: single nucleotide variant.
Coding change: c.1085A>G on transcript NM_170784.3 (MANE Select); coding-DNA position 1085, A replaced by G.
Protein change: p.His362Arg; replaces histidine 362 with arginine.
Molecular consequence: missense variant. On other transcripts: non-coding transcript variant (1).
Genome position (GRCh38, 1-based): chr20:10,408,704, T>C on the plus strand (A>G on the coding strand, the complement: MKKS is on the minus strand). VCF-style: chr20-10408704-T-C. GRCh37 (hg19) VCF-style: chr20-10389352-T-C.
Other names: c.1085A>G, p.His362Arg (NM_018848.3); c.1085A>G (NM_018848.2); short protein forms H362R.
Identifiers: ClinVar variation 1411748 (VCV001411748.10), dbSNP rs373858682, ClinGen allele CA9763565.

ClinVar aggregate classification (germline): Conflicting classifications of pathogenicity. Review status: criteria provided, conflicting classifications (1 of 4 stars). 6 submissions from 6 submitters: Uncertain significance (5); Likely benign (1). Last evaluated 2026-02-04.

Conditions:
MKKS-related disorder. Also called: MKKS-related disorders; MKKS-related condition.
McKusick-Kaufman syndrome (MKKS). Also called: HYDROMETROCOLPOS SYNDROME; HYDROMETROCOLPOS, POSTAXIAL POLYDACTYLY, AND CONGENITAL HEART MALFORMATION. Identifiers: Orphanet 2473, MedGen C0948368, MONDO:0009367, OMIM 236700.
Bardet-Biedl syndrome (BBS). Identifiers: Orphanet 110, MedGen C0752166, MONDO:0015229.
Inborn genetic diseases. Identifiers: MedGen C0950123, MeSH D030342.
Bardet-Biedl syndrome 6 (BBS6). Identifiers: Orphanet 110, MedGen C1858054, MONDO:0011523, OMIM 605231.

Allele frequency attached by ClinVar (database versions not stated): ExAC 0.00001; gnomAD 0.00002 and 0.00003; gnomAD exomes 0.00002; TOPMed 0.00004.
gnomAD v4.1: 39 of 1,613,944 alleles (0.0024%); highest among the groups gnomAD compares: East Asian, 0.02%; no homozygotes.

Submissions (6):

PreventionGenetics, part of Exact Sciences
Classification: Uncertain significance for MKKS-related condition. Last evaluated: 2026-02-04. Review status: criteria provided, single submitter. Criteria: ACMG Guidelines, 2015. Collection method: clinical testing. Allele origin: germline.
Comment: The MKKS c.1085A>G variant is predicted to result in the amino acid substitution p.His362Arg. To our knowledge, this variant has not been reported in the literature. This variant is reported in 0.025% of alleles in individuals of East Asian descent in gnomAD. At this time, the clinical significance of this variant is uncertain due to the absence of conclusive functional and genetic evidence.

Ambry Genetics
Classification: Uncertain significance for Inborn genetic diseases. Last evaluated: 2025-04-07. Review status: criteria provided, single submitter. Criteria: Ambry Variant Classification Scheme 2023. Collection method: clinical testing. Allele origin: germline.

Labcorp Genetics (formerly Invitae), Labcorp
Classification: Uncertain significance for McKusick-Kaufman syndrome; Bardet-Biedl syndrome. Last evaluated: 2024-10-08. Review status: criteria provided, single submitter. Criteria: Invitae Variant Classification Sherloc (09022015). Collection method: clinical testing. Allele origin: germline.
Comment: This sequence change replaces histidine, which is basic and polar, with arginine, which is basic and polar, at codon 362 of the MKKS protein (p.His362Arg). This variant is present in population databases (rs373858682, gnomAD 0.02%). This variant has not been reported in the literature in individuals affected with MKKS-related conditions. ClinVar contains an entry for this variant (Variation ID: 1411748). Invitae Evidence Modeling of protein sequence and biophysical properties (such as structural, functional, and spatial information, amino acid conservation, physicochemical variation, residue mobility, and thermodynamic stability) has been performed for this missense variant. However, the output from this modeling did not meet the statistical confidence thresholds required to predict the impact of this variant on MKKS protein function. In summary, the available evidence is currently insufficient to determine the role of this variant in disease. Therefore, it has been classified as a Variant of Uncertain Significance.

3billion
Classification: Likely benign for Bardet-Biedl syndrome 6; McKusick-Kaufman syndrome. Last evaluated: 2024-09-20. Review status: criteria provided, single submitter. Criteria: ACMG Guidelines, 2015. Collection method: clinical testing. Allele origin: germline. Affected: no.
Comment: The homozygous variant was found in patients diagnosed with another variant in a different gene, with no symptoms related to the gene containing the homozygous variant.

Blueprint Genetics
Classification: Uncertain significance. Last evaluated: 2023-09-19. Review status: criteria provided, single submitter. Criteria: ACMG Guidelines, 2015. Collection method: clinical testing. Allele origin: germline.

Fulgent Genetics
Classification: Uncertain significance for McKusick-Kaufman syndrome; Bardet-Biedl syndrome 6. Last evaluated: 2022-04-23. Review status: criteria provided, single submitter. Criteria: ACMG Guidelines, 2015. Collection method: clinical testing. Allele origin: unknown.